The following is an entry in ClinVar:

NC_000015.9:g.(?_91488102)_(91488313_?)del

Gene: UNC45A (unc-45 myosin chaperone A; plus strand). Cytogenetic location: 15q26.1.
Variant type: Deletion.
Identifiers: ClinVar variation 2426478 (VCV002426478.4).

ClinVar aggregate classification (germline): Uncertain significance (1 of 4 stars; one submission).

Submission:

Labcorp Genetics (formerly Invitae), Labcorp
Classification: Uncertain significance. Last evaluated: 2022-07-05. Review status: criteria provided, single submitter. Criteria: Invitae Variant Classification Sherloc (09022015). Collection method: clinical testing. Allele origin: germline.
Comment: In summary, the available evidence is currently insufficient to determine the role of this variant in disease. Therefore, it has been classified as a Variant of Uncertain Significance. Experimental studies and prediction algorithms are not available or were not evaluated, and the functional significance of this variant is currently unknown. This variant has not been reported in the literature in individuals affected with UNC45A-related conditions. This variant is a gross deletion of the genomic region encompassing exon(s) 9 of the UNC45A gene. This deletion is out-of-frame, and is expected to create a premature translational stop signal and result in an absent or disrupted protein product. However, the current clinical and genetic evidence is not sufficient to establish whether loss-of-function variants in UNC45A cause disease.